The following is an entry in ClinVar:

NM_001256007.3(PNPLA8):c.962C>T (p.Ser321Leu)

Gene: PNPLA8 (patatin like domain 8, phospholipase A2; minus strand). Cytogenetic location: 7q31.1.
Variant type: single nucleotide variant.
Coding change: c.962C>T on transcript NM_001256007.3 (MANE Select); coding-DNA position 962, C replaced by T.
Protein change: p.Ser321Leu; replaces serine 321 with leucine.
Molecular consequence: missense variant.
Genome position (GRCh38, 1-based): chr7:108,514,530, G>A on the plus strand (C>T on the coding strand, the complement: PNPLA8 is on the minus strand). VCF-style: chr7-108514530-G-A. GRCh37 (hg19) VCF-style: chr7-108154974-G-A.
Other names: c.962C>T, p.Ser321Leu (NM_001256008.3, NM_001256009.3, NM_015723.5); c.662C>T, p.Ser221Leu (NM_001256010.3, NM_001256011.3); short protein forms S321L, S221L.
Identifiers: ClinVar variation 2119927 (VCV002119927.4), dbSNP rs1863161867, ClinGen allele CA368897693.

ClinVar aggregate classification (germline): Uncertain significance (1 of 4 stars; one submission).

Allele frequency attached by ClinVar (database versions not stated): TOPMed below 0.00001; gnomAD 0.00001.
gnomAD v4.1: 2 of 1,613,590 alleles (0.00012%); highest among the groups gnomAD compares: Non-Finnish European, 0.000085%; no homozygotes.

Submission:

Labcorp Genetics (formerly Invitae), Labcorp
Classification: Uncertain significance. Last evaluated: 2022-03-31. Review status: criteria provided, single submitter. Criteria: Invitae Variant Classification Sherloc (09022015). Collection method: clinical testing. Allele origin: germline.
Comment: This sequence change replaces serine, which is neutral and polar, with leucine, which is neutral and non-polar, at codon 321 of the PNPLA8 protein (p.Ser321Leu). This variant is not present in population databases (gnomAD no frequency). In summary, the available evidence is currently insufficient to determine the role of this variant in disease. Therefore, it has been classified as a Variant of Uncertain Significance. Algorithms developed to predict the effect of missense changes on protein structure and function output the following: SIFT: "Tolerated"; PolyPhen-2: "Benign"; Align-GVGD: "Class C0". The leucine amino acid residue is found in multiple mammalian species, which suggests that this missense change does not adversely affect protein function. This variant has not been reported in the literature in individuals affected with PNPLA8-related conditions.